The following is an entry in ClinVar:

ClinVar aggregate classification (germline): Pathogenic (1 of 4 stars; one submission).

Conditions:
Hereditary spastic paraplegia 15 (SPG15). Also called: SPASTIC PARAPLEGIA 15, AUTOSOMAL RECESSIVE; KJELLIN SYNDROME; SPASTIC PARAPLEGIA AND RETINAL DEGENERATION. Identifiers: Orphanet 100996, MedGen C1849128, MONDO:0010044, OMIM 270700.

Submission:

Myriad Genetics, Inc.
Classification: Pathogenic for Hereditary spastic paraplegia 15. Last evaluated: 2024-10-22. Review status: criteria provided, single submitter. Criteria: Myriad Autosomal Dominant, Autosomal Recessive and X-Linked Classification Criteria (2023). Collection method: clinical testing. Allele origin: unknown.
Comment: NM_015346.3(ZFYVE26):c.1762delG(D588Ifs*26) is expected to be pathogenic in the context of spastic paraplegia type 15. This variant is predicted to lead to an abnormal or absent protein product due to the creation of a premature termination codon in ZFYVE26, a gene where loss-of-function variants are known to be pathogenic. Please note: this variant was assessed in the context of healthy population screening.

NM_015346.4(ZFYVE26):c.1762del (p.Asp588fs)

Gene: ZFYVE26 (zinc finger FYVE-type containing 26; minus strand). Cytogenetic location: 14q24.1.
Variant type: Deletion.
Coding change: c.1762del on transcript NM_015346.4 (MANE Select); coding-DNA position 1762, one base deleted (G; older notation c.1762delG).
Protein change: p.Asp588fs; shifts the reading frame from aspartic acid 588.
Molecular consequence: frameshift variant.
Genome position (GRCh38, 1-based): chr14:67,798,500, C deleted on the plus strand (G on the coding strand, the reverse complement: ZFYVE26 is on the minus strand). VCF-style (leftmost placement, unchanged base first): chr14-67798499-TC-T. GRCh37 (hg19) VCF-style: chr14-68265216-TC-T.
Other names: short protein forms D588fs.
Identifiers: ClinVar variation 5013670 (VCV005013670.1).